The following is an entry in ClinVar:

NM_003002.4(SDHD):c.338A>G (p.Asp113Gly)

Gene: SDHD (succinate dehydrogenase complex subunit D; plus strand). Cytogenetic location: 11q23.1.
Variant type: single nucleotide variant.
Coding change: c.338A>G on transcript NM_003002.4 (MANE Select); coding-DNA position 338, A replaced by G.
Protein change: p.Asp113Gly; replaces aspartic acid 113 with glycine.
Molecular consequence: missense variant. On other transcripts: 3 prime UTR variant (1), non-coding transcript variant (1).
Genome position (GRCh38, 1-based): chr11:112,094,828, A>G. VCF-style: chr11-112094828-A-G. GRCh37 (hg19) VCF-style: chr11-111965552-A-G.
Other names: c.193A>G, p.Thr65Ala (NM_001276503.2); c.221A>G, p.Asp74Gly (NM_001276504.2); c.*36A>G (NM_001276506.2); short protein forms D74G, D113G, T65A.
Identifiers: ClinVar variation 1346070 (VCV001346070.6), dbSNP rs786202513, ClinGen allele CA382618837.
Genomic context (GRCh38, chr11:112,094,828, plus strand): 5'-TTTTTTATTGATGTTATGATTTTTTCTTTTTCTTTAGGGGCCTTGGACAAGTTGTTACTG[A>G]CTATGTTCATGGGGATGCCTTGCAGAAAGCTGCCAAGGCAGGGCTTTTGGCACTTTCAGC-3'
Protein context (NP_002993.1, residues 103-123): GHWGLGQVVT[Asp113Gly]YVHGDALQKA

ClinVar aggregate classification (germline): Uncertain significance (1 of 4 stars; one submission).

Conditions:
Carney-Stratakis syndrome. Also called: PARAGANGLIOMA AND GASTROINTESTINAL STROMAL TUMOR. Identifiers: Orphanet 97286, MedGen C1847319, MONDO:0011740, OMIM 606864.
Paragangliomas with sensorineural hearing loss. Identifiers: MedGen C1868633.
Cowden syndrome 3 (CWS3). Identifiers: Orphanet 201, MedGen CN166604, MONDO:0014045.
Pheochromocytoma. Also called: MAX-Related Hereditary Paraganglioma-Pheochromocytoma Syndrome. Identifiers: Orphanet 29072, MedGen C0031511, MONDO:0008233, OMIM 171300, HP:0002666.

Submission:

Labcorp Genetics (formerly Invitae), Labcorp
Classification: Uncertain significance for Carney-Stratakis syndrome; Paragangliomas with sensorineural hearing loss; Pheochromocytoma; Cowden syndrome 3. Last evaluated: 2021-10-21. Review status: criteria provided, single submitter. Criteria: Invitae Variant Classification Sherloc (09022015). Collection method: clinical testing. Allele origin: germline.
Comment: This sequence change replaces aspartic acid with glycine at codon 113 of the SDHD protein (p.Asp113Gly). The aspartic acid residue is highly conserved and there is a moderate physicochemical difference between aspartic acid and glycine. This variant is not present in population databases (ExAC no frequency). This variant has not been reported in the literature in individuals affected with SDHD-related conditions. Advanced modeling of protein sequence and biophysical properties (such as structural, functional, and spatial information, amino acid conservation, physicochemical variation, residue mobility, and thermodynamic stability) performed at Invitae indicates that this missense variant is expected to disrupt SDHD protein function. In summary, the available evidence is currently insufficient to determine the role of this variant in disease. Therefore, it has been classified as a Variant of Uncertain Significance.